The following is an entry in ClinVar:

ClinVar aggregate classification (germline): Uncertain significance (1 of 4 stars; one submission).

Submission:

Ambry Genetics
Classification: Uncertain significance. Last evaluated: 2026-05-04. Review status: criteria provided, single submitter. Criteria: Ambry Variant Classification Scheme 2023. Collection method: clinical testing. Allele origin: germline.
Comment: The p.N409K variant (also known as c.1227T>G), located in coding exon 11 of the GEN1 gene, results from a T to G substitution at nucleotide position 1227. The asparagine at codon 409 is replaced by lysine, an amino acid with similar properties. This amino acid position is conserved. In addition, this alteration is predicted to be tolerated by in silico analysis. Based on the available evidence, the clinical significance of this variant remains unclear.

NM_001130009.3(GEN1):c.1227T>G (p.Asn409Lys)

Gene: GEN1 (GEN1 structure-specific endonuclease; plus strand). Cytogenetic location: 2p24.2.
Variant type: single nucleotide variant.
Coding change: c.1227T>G on transcript NM_001130009.3 (MANE Select); coding-DNA position 1227, T replaced by G.
Protein change: p.Asn409Lys; replaces asparagine 409 with lysine.
Molecular consequence: missense variant.
Genome position (GRCh38, 1-based): chr2:17,778,026, T>G. VCF-style: chr2-17778026-T-G. GRCh37 (hg19) VCF-style: chr2-17959293-T-G.
Other names: c.1227T>G, p.Asn409Lys (NM_182625.5); short protein forms N409K.
Identifiers: ClinVar variation 4857970 (VCV004857970.1).